The following is an entry in ClinVar:

ClinVar aggregate classification (germline): Pathogenic (1 of 4 stars; one submission).

Submission:

Labcorp Genetics (formerly Invitae), Labcorp
Classification: Pathogenic. Last evaluated: 2024-02-07. Review status: criteria provided, single submitter. Criteria: Invitae Variant Classification Sherloc (09022015). Collection method: clinical testing. Allele origin: germline.
Comment: This sequence change creates a premature translational stop signal (p.Phe625Serfs*5) in the PDZD7 gene. It is expected to result in an absent or disrupted protein product. Loss-of-function variants in PDZD7 are known to be pathogenic (PMID: 20440071). This variant is not present in population databases (gnomAD no frequency). This variant has not been reported in the literature in individuals affected with PDZD7-related conditions. For these reasons, this variant has been classified as Pathogenic.

Literature cited by the submitters: PubMed 20440071.

NM_001195263.2(PDZD7):c.1872del (p.Phe625fs)

Gene: PDZD7 (PDZ domain containing 7; minus strand). Cytogenetic location: 10q24.31.
Variant type: Deletion.
Coding change: c.1872del on transcript NM_001195263.2 (MANE Select); coding-DNA position 1872, one base deleted (C; older notation c.1872delC).
Protein change: p.Phe625fs; shifts the reading frame from phenylalanine 625.
Molecular consequence: frameshift variant.
Genome position (GRCh38, 1-based): chr10:101,011,986, G deleted on the plus strand (C on the coding strand, the reverse complement: PDZD7 is on the minus strand). VCF-style (leftmost placement, unchanged base first): chr10-101011985-AG-A. GRCh37 (hg19) VCF-style: chr10-102771742-AG-A.
Other names: short protein forms F625fs.
Identifiers: ClinVar variation 3639593 (VCV003639593.2).
Genomic context (GRCh38, chr10:101,011,985, plus strand): 5'-CTGCCCTGCTCTTGAGGGCCTCAAAAGCCTCCAGCTCCACAAGCATCACCATGCTGTCGA[AG>A]CGGCCCAGGTCTGTGGGGGCCACCACACTCCTGGGAGAGGGCGAGAGACAGCAGGGGTGG-3'